The following is an entry in ClinVar:

ClinVar aggregate classification (germline): Conflicting classifications of pathogenicity. Review status: criteria provided, conflicting classifications (1 of 4 stars). 10 submissions from 10 submitters: Uncertain significance (8); Likely benign (2). Last evaluated 2026-07-28.

Conditions:
Hereditary pheochromocytoma and paraganglioma. Also called: Hereditary Paraganglioma-Pheochromocytoma Syndromes; Hereditary paragangliomas and pheochromocytomas; Hereditary pheochromocytoma-paraganglioma. Identifiers: Orphanet 29072, MedGen C4274332, MONDO:0017366.
Hereditary cancer-predisposing syndrome. Also called: Tumor predisposition; Neoplastic Syndromes, Hereditary; Hereditary neoplastic syndrome; Hereditary Cancer Syndrome. Identifiers: Orphanet 140162, MedGen C0027672, MeSH D009386, MONDO:0015356.
Pheochromocytoma. Also called: MAX-Related Hereditary Paraganglioma-Pheochromocytoma Syndrome. Identifiers: Orphanet 29072, MedGen C0031511, MONDO:0008233, OMIM 171300, HP:0002666.

Allele frequency attached by ClinVar (database versions not stated): gnomAD exomes 0.00005 and 0.00003; gnomAD 0.00003; TOPMed 0.00003; ExAC 0.00002.

Submissions (10):

Myriad Genetics, Inc.
Classification: Likely benign for Hereditary pheochromocytoma and paraganglioma. Last evaluated: 2026-07-28. Review status: criteria provided, single submitter. Criteria: Myriad Autosomal Dominant, Autosomal Recessive and X-Linked Classification Criteria (2023). Collection method: clinical testing. Allele origin: unknown.
Comment: This variant is considered likely benign. This variant has been observed at a population frequency that is significantly greater than expected given the associated disease prevalence and penetrance.

Labcorp Genetics (formerly Invitae), Labcorp
Classification: Uncertain significance for Hereditary pheochromocytoma and paraganglioma. Last evaluated: 2026-01-14. Review status: criteria provided, single submitter. Criteria: Invitae Variant Classification Sherloc (09022015). Collection method: clinical testing. Allele origin: germline.
Comment: This sequence change replaces arginine, which is basic and polar, with glutamine, which is neutral and polar, at codon 94 of the TMEM127 protein (p.Arg94Gln). This variant is present in population databases (rs746831347, gnomAD 0.006%). This missense change has been observed in individual(s) with abdominal paraganglioma (PMID: 31666924). ClinVar contains an entry for this variant (Variation ID: 337506). An algorithm developed to predict the effect of missense changes on protein structure and function (PolyPhen-2) suggests that this variant is likely to be tolerated. RNA analysis performed to evaluate the impact of this missense change on mRNA splicing indicates it does not significantly alter splicing (internal data). In summary, the available evidence is currently insufficient to determine the role of this variant in disease. Therefore, it has been classified as a Variant of Uncertain Significance.

Ambry Genetics
Classification: Uncertain significance for Hereditary cancer-predisposing syndrome. Last evaluated: 2025-12-22. Review status: criteria provided, single submitter. Criteria: Ambry Variant Classification Scheme 2023. Collection method: clinical testing. Allele origin: germline.
Comment: The p.R94Q variant (also known as c.281G>A), located in coding exon 2 of the TMEM127 gene, results from a G to A substitution at nucleotide position 281. The arginine at codon 94 is replaced by glutamine, an amino acid with highly similar properties. This amino acid position is highly conserved in available vertebrate species. In addition, the in silico prediction for this alteration is inconclusive. Since supporting evidence is limited at this time, the clinical significance of this alteration remains unclear.

Genomic Medicine Center of Excellence, King Faisal Specialist Hospital and Research Centre
Classification: Uncertain significance for Pheochromocytoma. Last evaluated: 2025-09-10. Review status: criteria provided, single submitter. Criteria: ACMG Guidelines, 2015. Collection method: clinical testing. Allele origin: germline.

Quest Diagnostics Nichols Institute San Juan Capistrano
Classification: Uncertain significance. Last evaluated: 2025-08-13. Review status: criteria provided, single submitter. Criteria: Quest Diagnostics criteria. Collection method: clinical testing. Allele origin: unknown.
Comment: The TMEM127 c.281G>A (p.Arg94Gln) variant has been reported in the published literature in individuals with breast cancer (PMID: 32994724 (2020)), and abdominal paraganglioma (PMID: 31666924 (2019)). The frequency of this variant in the general population (Genome Aggregation Database) is higher than would generally be expected for pathogenic variants in this gene. Analysis of this variant using bioinformatics tools for the prediction of the effect of amino acid changes on protein structure and function yielded predictions that this variant is benign. Additional analysis using software algorithms for the prediction of the effect of nucleotide changes on TMEM127 mRNA splicing yielded predictions that this variant may result in the gain of a cryptic splice site without affecting the natural splice sites. Based on the available information, we are unable to determine the clinical significance of this variant.

Baylor Genetics
Classification: Uncertain significance for Pheochromocytoma. Last evaluated: 2024-02-02. Review status: criteria provided, single submitter. Criteria: ACMG Guidelines, 2015. Collection method: clinical testing. Allele origin: unknown.

GeneDx
Classification: Uncertain significance. Last evaluated: 2022-12-08. Review status: criteria provided, single submitter. Criteria: GeneDx Variant Classification Process June 2021. Collection method: clinical testing. Allele origin: germline. Affected: yes.
Comment: In silico analysis supports that this missense variant does not alter protein structure/function; Observed in an individual with an abdominal paraganglioma without a family history of PCC/PGL (Alanazi et al., 2020); This variant is associated with the following publications: (PMID: 21156949, 32994724, 31666924)

Institute for Clinical Genetics, University Hospital TU Dresden, University Hospital TU Dresden
Classification: Uncertain significance. Last evaluated: 2021-11-03. Review status: criteria provided, single submitter. Criteria: ACMG Guidelines, 2015. Collection method: clinical testing. Allele origin: germline.

Fulgent Genetics
Classification: Uncertain significance for Pheochromocytoma. Last evaluated: 2018-10-31. Review status: criteria provided, single submitter. Criteria: ACMG Guidelines, 2015. Collection method: clinical testing. Allele origin: unknown.

Illumina Laboratory Services, Illumina
Classification: Likely benign for Pheochromocytoma. Last evaluated: 2018-01-12. Review status: criteria provided, single submitter. Criteria: ICSL Variant Classification Criteria 13 December 2019. Collection method: clinical testing. Allele origin: germline.
Comment: This variant was observed in the ICSL laboratory as part of a predisposition screen in an ostensibly healthy population. It had not been previously curated by ICSL or reported in the Human Gene Mutation Database (HGMD: prior to June 1st, 2018), and was therefore a candidate for classification through an automated scoring system. Utilizing variant allele frequency, disease prevalence and penetrance estimates, and inheritance mode, an automated score was calculated to assess if this variant is too frequent to cause the disease. Based on the score and internal cut-off values, a variant classified as likely benign is not then subjected to further curation. The score for this variant resulted in a classification of likely benign for this disease.

Literature cited by the submitters: PubMed 31666924 (cited by Labcorp Genetics (formerly Invitae), Labcorp and Quest Diagnostics Nichols Institute San Juan Capistrano); PubMed 32994724 (cited by Quest Diagnostics Nichols Institute San Juan Capistrano).

NM_017849.4(TMEM127):c.281G>A (p.Arg94Gln)

Gene: TMEM127 (transmembrane protein 127; minus strand). Cytogenetic location: 2q11.2.
Variant type: single nucleotide variant.
Coding change: c.281G>A on transcript NM_017849.4 (MANE Select); coding-DNA position 281, G replaced by A.
Protein change: p.Arg94Gln; replaces arginine 94 with glutamine.
Molecular consequence: missense variant.
Genome position (GRCh38, 1-based): chr2:96,254,961, C>T on the plus strand (G>A on the coding strand, the complement: TMEM127 is on the minus strand). VCF-style: chr2-96254961-C-T. GRCh37 (hg19) VCF-style: chr2-96920699-C-T.
Other names: c.281G>A, p.Arg94Gln (NM_001193304.3); c.281G>A (NM_017849.1); short protein forms R94Q.
Identifiers: ClinVar variation 337506 (VCV000337506.27), dbSNP rs746831347, ClinGen allele CA1777358.